The following is an entry in ClinVar:

NM_004646.4(NPHS1):c.1279G>T (p.Glu427Ter)

Gene: NPHS1 (NPHS1 adhesion molecule, nephrin; minus strand). Cytogenetic location: 19q13.12.
Variant type: single nucleotide variant.
Coding change: c.1279G>T on transcript NM_004646.4 (MANE Select); coding-DNA position 1279, G replaced by T.
Protein change: p.Glu427Ter; replaces glutamic acid 427 with a stop codon.
Molecular consequence: nonsense.
Genome position (GRCh38, 1-based): chr19:35,848,289, C>A on the plus strand (G>T on the coding strand, the complement: NPHS1 is on the minus strand). VCF-style: chr19-35848289-C-A. GRCh37 (hg19) VCF-style: chr19-36339191-C-A.
Other names: short protein forms E427*.
Identifiers: ClinVar variation 1377212 (VCV001377212.6), dbSNP rs2146826513, ClinGen allele CA405405097.

ClinVar aggregate classification (germline): Pathogenic (1 of 4 stars; one submission).

Submission:

Labcorp Genetics (formerly Invitae), Labcorp
Classification: Pathogenic. Last evaluated: 2021-03-23. Review status: criteria provided, single submitter. Criteria: Invitae Variant Classification Sherloc (09022015). Collection method: clinical testing. Allele origin: germline.
Comment: For these reasons, this variant has been classified as Pathogenic. This variant has not been reported in the literature in individuals with NPHS1-related conditions. This variant is not present in population databases (ExAC no frequency). This sequence change creates a premature translational stop signal (p.Glu427*) in the NPHS1 gene. It is expected to result in an absent or disrupted protein product. Loss-of-function variants in NPHS1 are known to be pathogenic (PMID: 11317351, 11854170, 12039988).

Literature cited by the submitters: PubMed 11317351; PubMed 11854170; PubMed 12039988.